The following is an entry in ClinVar:

NM_001130009.3(GEN1):c.1105C>G (p.His369Asp)

Gene: GEN1 (GEN1 structure-specific endonuclease; plus strand). Cytogenetic location: 2p24.2.
Variant type: single nucleotide variant.
Coding change: c.1105C>G on transcript NM_001130009.3 (MANE Select); coding-DNA position 1105, C replaced by G.
Protein change: p.His369Asp; replaces histidine 369 with aspartic acid.
Molecular consequence: missense variant.
Genome position (GRCh38, 1-based): chr2:17,774,304, C>G. VCF-style: chr2-17774304-C-G. GRCh37 (hg19) VCF-style: chr2-17955571-C-G.
Other names: c.1105C>G, p.His369Asp (NM_182625.5); short protein forms H369D.
Identifiers: ClinVar variation 5022349 (VCV005022349.1).

ClinVar aggregate classification (germline): Uncertain significance (1 of 4 stars; one submission).

gnomAD v4.1: 2 of 1,587,770 alleles (0.00013%); highest among the groups gnomAD compares: Non-Finnish European, 0.00017%; no homozygotes.

Submission:

Ambry Genetics
Classification: Uncertain significance. Last evaluated: 2026-08-31. Review status: criteria provided, single submitter. Criteria: Ambry Variant Classification Scheme 2023. Collection method: clinical testing. Allele origin: germline.
Comment: The p.H369D variant (also known as c.1105C>G), located in coding exon 10 of the GEN1 gene, results from a C to G substitution at nucleotide position 1105. The histidine at codon 369 is replaced by aspartic acid, an amino acid with similar properties. This amino acid position is conserved. In addition, this alteration is predicted to be tolerated by in silico analysis. Based on the available evidence, the clinical significance of this variant remains unclear.